The following is an entry in ClinVar:

ClinVar aggregate classification (germline): Uncertain significance. Review status: reviewed by expert panel (3 of 4 stars). 3 submissions from 3 submitters: Uncertain significance (1). 2 of the submissions do not count toward it. Last evaluated 2024-09-25.

Conditions:
Inborn genetic diseases. Identifiers: MedGen C0950123, MeSH D030342.
Hereditary thrombocytopenia and hematologic cancer predisposition syndrome. Identifiers: Orphanet 71290, MedGen CN281654, MONDO:0011071.
Hereditary thrombocytopenia and hematological cancer predisposition syndrome associated with RUNX1. Also called: Familial Platelet Disorder with Propensity to Acute Myelogenous Leukemia; Familial thrombocytopenia with propensity to acute myelogenous leukemia; RUNX1 Familial Platelet Disorder with Associated Myeloid Malignancies; PLATELET DISORDER, ASPIRIN-LIKE. Identifiers: Orphanet 71290, MedGen C1832388, MeSH C563324, MONDO:0100083, OMIM 601399.

Allele frequency attached by ClinVar (database versions not stated): gnomAD exomes 0.00001.
gnomAD v4.1: 11 of 1,601,122 alleles (0.00069%); highest among the groups gnomAD compares: Non-Finnish European, 0.00085%; no homozygotes.

Submissions (3):

ClinGen Myeloid Malignancy Variant Curation Expert Panel
Classification: Uncertain significance for Hereditary thrombocytopenia and hematologic cancer predisposition syndrome. Last evaluated: 2024-09-25. Review status: reviewed by expert panel. Criteria: ClinGen MyeloMalig ACMG Specifications v2. Collection method: curation. Allele origin: germline. Inheritance: Autosomal dominant inheritance.
Comment: NM_001754.5(RUNX1):c.149G>A (p.Gly50Asp) is a missense variant which is absent from all population databases which provide coverage of at least 20x for the RUNX1 gene at this genomic position (PM2_supporting). In summary, the clinical significance of this variant is uncertain, and it meets ACMG/AMP criteria as specified by the Myeloid Malignancy Variant Curation Expert Panel for RUNX1: PM2_supporting.

Labcorp Genetics (formerly Invitae), Labcorp
Classification: Uncertain significance for Hereditary thrombocytopenia and hematological cancer predisposition syndrome associated with RUNX1. Last evaluated: 2025-07-31. Review status: criteria provided, single submitter. Criteria: Invitae Variant Classification Sherloc (09022015). Collection method: clinical testing. Allele origin: germline. Not counted in ClinVar's aggregate classification.
Comment: This sequence change replaces glycine, which is neutral and non-polar, with aspartic acid, which is acidic and polar, at codon 50 of the RUNX1 protein (p.Gly50Asp). This variant is not present in population databases (gnomAD no frequency). This variant has not been reported in the literature in individuals affected with RUNX1-related conditions. ClinVar contains an entry for this variant (Variation ID: 1436178). Invitae Evidence Modeling of protein sequence and biophysical properties (such as structural, functional, and spatial information, amino acid conservation, physicochemical variation, residue mobility, and thermodynamic stability) has been performed for this missense variant. However, the output from this modeling did not meet the statistical confidence thresholds required to predict the impact of this variant on RUNX1 protein function. In summary, the available evidence is currently insufficient to determine the role of this variant in disease. Therefore, it has been classified as a Variant of Uncertain Significance.

Ambry Genetics
Classification: Uncertain significance for Inborn genetic diseases. Last evaluated: 2025-01-14. Review status: criteria provided, single submitter. Criteria: Ambry Variant Classification Scheme 2023. Collection method: clinical testing. Allele origin: germline. Not counted in ClinVar's aggregate classification.
Comment: The p.G50D variant (also known as c.149G>A), located in coding exon 3 of the RUNX1 gene, results from a G to A substitution at nucleotide position 149. The glycine at codon 50 is replaced by aspartic acid, an amino acid with similar properties. This amino acid position is conserved. In addition, the in silico prediction for this alteration is inconclusive. Based on the available evidence, the clinical significance of this variant remains unclear.

NM_001754.5(RUNX1):c.149G>A (p.Gly50Asp)

Gene: RUNX1 (RUNX family transcription factor 1; minus strand). Cytogenetic location: 21q22.12.
Variant type: single nucleotide variant.
Coding change: c.149G>A on transcript NM_001754.5 (MANE Select); coding-DNA position 149, G replaced by A.
Protein change: p.Gly50Asp; replaces glycine 50 with aspartic acid.
Molecular consequence: missense variant.
Genome position (GRCh38, 1-based): chr21:34,887,045, C>T on the plus strand (G>A on the coding strand, the complement: RUNX1 is on the minus strand). VCF-style: chr21-34887045-C-T. GRCh37 (hg19) VCF-style: chr21-36259342-C-T.
Other names: NM_001754.5(RUNX1):c.149G>A; p.Gly50Asp; c.149G>A (NM_001754.4); c.68G>A, p.Gly23Asp (NM_001001890.3, NM_001122607.2); short protein forms G50D, G23D.
Identifiers: ClinVar variation 1436178 (VCV001436178.8), dbSNP rs2146413739, ClinGen allele CA410204124.